The following is an entry in ClinVar:

ClinVar aggregate classification (germline): Pathogenic. Review status: criteria provided, multiple submitters, no conflicts (2 of 4 stars). 11 submissions from 11 submitters: Pathogenic (10). 1 of the submissions does not count toward it. Last evaluated 2025-12-22.

Conditions:
Autosomal recessive nonsyndromic hearing loss 3. Also called: NEUROSENSORY NONSYNDROMIC RECESSIVE DEAFNESS 3. Identifiers: Orphanet 90636, MedGen C1838263, MONDO:0010860, OMIM 600316.
MYO15A-related disorder. Also called: MYO15A-related condition.
Carney complex, type 1 (CNC1). Also called: CARNEY MYXOMA-ENDOCRINE COMPLEX; CARNEY COMPLEX, TYPE I. Identifiers: Orphanet 1359, MedGen C2607929, MONDO:0008057, OMIM 160980.

Allele frequency attached by ClinVar (database versions not stated): gnomAD exomes 0.00002 and 0.00014; TOPMed 0.00004; gnomAD 0.00006 and 0.00008; ExAC 0.00018.

Submissions (11):

Labcorp Genetics (formerly Invitae), Labcorp
Classification: Pathogenic. Last evaluated: 2025-12-22. Review status: criteria provided, single submitter. Criteria: Invitae Variant Classification Sherloc (09022015). Collection method: clinical testing. Allele origin: germline.
Comment: This sequence change creates a premature translational stop signal (p.Ser1176Valfs*14) in the MYO15A gene. It is expected to result in an absent or disrupted protein product. Loss-of-function variants in MYO15A are known to be pathogenic (PMID: 17546645). This variant is present in population databases (rs766187994, gnomAD 0.2%). This premature translational stop signal has been observed in individuals with early onset deafness (PMID: 26810297, 30953472, 31581539, 34416374, 34599368, 34974475, 35346193). It has also been observed to segregate with disease in related individuals. This variant is also known as c.3525_3526insA, p.Q1175fsX1188. ClinVar contains an entry for this variant (Variation ID: 803332). For these reasons, this variant has been classified as Pathogenic.

Medical and Scientific Branch, Hong Kong Genome Institute
Classification: Pathogenic for Carney complex, type 1. Last evaluated: 2025-12-11. Review status: criteria provided, single submitter. Criteria: ACMG Guidelines, 2015. Collection method: clinical testing. Allele origin: germline. Affected: yes.

GeneDx
Classification: Pathogenic. Last evaluated: 2025-07-11. Review status: criteria provided, single submitter. Criteria: GeneDx Variant Classification Process June 2021. Collection method: clinical testing. Allele origin: germline. Affected: yes.
Comment: Identified in a patient with autosomal recessive sensorineural hearing loss who harbored a second MYO15A variant (phase unknown) in published literature (PMID: 30953472); Identified in 9/44 members of a Taiwanese cohort with autosomal recessive sensorineural hearing loss in published literature (PMID: 31581539) but additional evidence is not available; Frameshift variant predicted to result in protein truncation or nonsense mediated decay in a gene for which loss of function is a known mechanism of disease; This variant is associated with the following publications: (PMID: 35346193, 31581539, 34325055, 34416374, 34599368, 34943631, 35939872, 26810297, 34974475, 35982127, 38297847, 30953472)

Fulgent Genetics
Classification: Pathogenic for Autosomal recessive nonsyndromic hearing loss 3. Last evaluated: 2024-06-07. Review status: criteria provided, single submitter. Criteria: ACMG Guidelines, 2015. Collection method: clinical testing. Allele origin: germline.

Women's Health and Genetics/Laboratory Corporation of America, LabCorp
Classification: Pathogenic for Autosomal recessive nonsyndromic hearing loss 3. Last evaluated: 2023-11-17. Review status: criteria provided, single submitter. Criteria: LabCorp Variant Classification Summary - May 2015. Collection method: clinical testing. Allele origin: germline.
Comment: Variant summary: MYO15A c.3524dupA (p.Ser1176ValfsX14) results in a premature termination codon, predicted to cause a truncation of the encoded protein or absence of the protein due to nonsense mediated decay, which are commonly known mechanisms for disease. The variant allele was found at a frequency of 0.00014 in 246816 control chromosomes. c.3524dupA has been reported in the literature inmultiple individuals affected with Autosomal Recessive Nonsyndromic Hearing Loss 3 (e.g., Fu_2022). These data indicate that the variant are likely associated with disease. The following publication have been ascertained in the context of this evaluation (PMID: 35939872). Three submitters have cited clinical-significance assessments for this variant to ClinVar after 2014, and all submitters classified the variant as pathogenic/likely pathogenic. Based on the evidence outlined above, the variant was classified as pathogenic.

3billion
Classification: Pathogenic for Autosomal recessive nonsyndromic hearing loss 3. Last evaluated: 2022-09-01. Review status: criteria provided, single submitter. Criteria: ACMG Guidelines, 2015. Collection method: clinical testing. Allele origin: germline. Affected: yes. Observed: 1 heterozygote.
Comment: The variant is observed at an extremely low frequency in the gnomAD v2.1.1 dataset (total allele frequency: 0.015%). Frameshift variant is predicted to result in a loss or disruption of normal protein function through nonsense-mediated decay (NMD) or protein truncation. Multiple pathogenic variants are reported downstream of the variant. The variant has been reported at least twice as pathogenic with clinical assertions and evidence for the classification (ClinVar ID: VCV000803332 / PMID: 26810297). Therefore, this variant is classified as Pathogenic according to the recommendation of ACMG/AMP guideline.

Mendelics
Classification: Pathogenic for Autosomal recessive nonsyndromic hearing loss 3. Last evaluated: 2019-05-28. Review status: criteria provided, single submitter. Criteria: Mendelics Assertion Criteria 2017. Collection method: clinical testing. Allele origin: unknown.

Juno Genomics, Hangzhou Juno Genomics, Inc
Classification: Pathogenic for Autosomal recessive nonsyndromic hearing loss 3. Review status: criteria provided, single submitter. Criteria: ACMG Guidelines, 2015. Collection method: clinical testing. Allele origin: germline. Affected: yes.
Comment: Null variant in a gene where loss of function (LOF) is a known mechanism of disease.;For recessive disorders, detected in trans with a pathogenic variant.

Laboratory of Molecular, Cellular and Translation Genetics in Otolaryngology/ Lim32-hcfmusp, University of Sao Paulo School of Medicine Clinics Hospital
Classification: Pathogenic for Autosomal recessive nonsyndromic hearing loss 3. Review status: criteria provided, single submitter. Criteria: ClinGen HL ACMG Specifications v1. Collection method: research. Allele origin: germline. Inheritance: Autosomal recessive inheritance. Affected: yes. Observed: 1 variant allele, 1 compound heterozygote. Segregation with disease observed.

Molecular Diagnosis Center for Deafness
Classification: Pathogenic for Autosomal recessive nonsyndromic hearing loss 3. Review status: criteria provided, single submitter. Criteria: ClinGen HL ACMG Specifications v1. Collection method: clinical testing. Allele origin: inherited. Observed: 3 variant alleles.

PreventionGenetics, part of Exact Sciences
Classification: Pathogenic for MYO15A-related condition. Last evaluated: 2024-04-05. Review status: no assertion criteria provided. Collection method: clinical testing. Allele origin: germline. Not counted in ClinVar's aggregate classification.
Comment: The MYO15A c.3524dupA variant is predicted to result in a frameshift and premature protein termination (p.Ser1176Valfs*14). This variant has been reported in the homozygous state and was found to segregate with hearing loss in two families (Li et al. 2016. PubMed ID: 26810297; Liu et al. 2022. PubMed ID: 35939872). It has been reported along with a second pathogenic variant in several individuals with moderate to profound hearing loss (Batissoco et al. 2021. PubMed ID: 34599368; Fu et al. 2022. PubMed ID: 35346193; Guan et al. 2021. PubMed ID: 34416374). This variant is reported in 0.22% of alleles in individuals of East Asian descent in gnomAD. Frameshift variants in MYO15A are expected to be pathogenic. This variant is interpreted as pathogenic.

Literature cited by the submitters: PubMed 17546645 (cited by Labcorp Genetics (formerly Invitae), Labcorp); PubMed 26810297 (cited by Labcorp Genetics (formerly Invitae), Labcorp and 3billion); PubMed 30953472 (cited by Labcorp Genetics (formerly Invitae), Labcorp); PubMed 31581539 (cited by Labcorp Genetics (formerly Invitae), Labcorp); PubMed 34416374 (cited by Labcorp Genetics (formerly Invitae), Labcorp); PubMed 34599368 (cited by Labcorp Genetics (formerly Invitae), Labcorp and Laboratory of Molecular, Cellular and Translation Genetics in Otolaryngology/ Lim32-hcfmusp, University of Sao Paulo School of Medicine Clinics Hospital); PubMed 34974475 (cited by Labcorp Genetics (formerly Invitae), Labcorp); PubMed 35346193 (cited by Labcorp Genetics (formerly Invitae), Labcorp); PubMed 35939872 (cited by Women's Health and Genetics/Laboratory Corporation of America, LabCorp).

NM_016239.4(MYO15A):c.3524dup (p.Ser1176fs)

Gene: MYO15A (myosin XVA; plus strand). Cytogenetic location: 17p11.2.
Variant type: Duplication.
Coding change: c.3524dup on transcript NM_016239.4 (MANE Select); coding-DNA position 3524, one base duplicated (A; older notation c.3524dupA).
Protein change: p.Ser1176fs; shifts the reading frame from serine 1176.
Molecular consequence: frameshift variant.
Genome position (GRCh38, 1-based): chr17:18,122,324, A duplicated. VCF-style (leftmost placement, unchanged base first): chr17-18122323-C-CA. GRCh37 (hg19) VCF-style: chr17-18025637-C-CA.
Other names: c.3524dupA (NM_016239.4); c.3524_3525insA (NM_016239.4); short protein forms S1176fs.
Identifiers: ClinVar variation 803332 (VCV000803332.39), dbSNP rs766187994, ClinGen allele CA8423480.